The following is an entry in ClinVar:

ClinVar aggregate classification (germline): Uncertain significance (1 of 4 stars; one submission).

Conditions:
Inborn genetic diseases. Identifiers: MedGen C0950123, MeSH D030342.

gnomAD v4.1: 1 of 1,591,508 alleles (0.000063%); highest among the groups gnomAD compares: Non-Finnish European, 0.000085%; no homozygotes.

Submission:

Ambry Genetics
Classification: Uncertain significance for Inborn genetic diseases. Last evaluated: 2026-08-11. Review status: criteria provided, single submitter. Criteria: Ambry Variant Classification Scheme 2023. Collection method: clinical testing. Allele origin: germline.
Comment: The p.Q30K variant (also known as c.88C>A), located in coding exon 1 of the SAMD9 gene, results from a C to A substitution at nucleotide position 88. The glutamine at codon 30 is replaced by lysine, an amino acid with similar properties. This amino acid position is conserved. In addition, this alteration is predicted to be tolerated by in silico analysis. Based on the available evidence, the clinical significance of this variant remains unclear.

NM_017654.4(SAMD9):c.88C>A (p.Gln30Lys)

Gene: SAMD9 (sterile alpha motif domain containing 9; minus strand). Cytogenetic location: 7q21.2.
Variant type: single nucleotide variant.
Coding change: c.88C>A on transcript NM_017654.4 (MANE Select); coding-DNA position 88, C replaced by A.
Protein change: p.Gln30Lys; replaces glutamine 30 with lysine.
Molecular consequence: missense variant.
Genome position (GRCh38, 1-based): chr7:93,106,010, G>T on the plus strand (C>A on the coding strand, the complement: SAMD9 is on the minus strand). VCF-style: chr7-93106010-G-T. GRCh37 (hg19) VCF-style: chr7-92735323-G-T.
Other names: c.88C>A, p.Gln30Lys (NM_001193307.2); short protein forms Q30K.
Identifiers: ClinVar variation 5028786 (VCV005028786.1).
Genomic context (GRCh38, chr7:93,106,010, plus strand): 5'-TTAACCACTTCAAGACTGCTCCATTCACGTCTTGTTCAGTCAAAATTTCCCTGTGTTTTT[G>T]GTCAATCTTATGACTTTCTAACCACTGATTTACATCCTCTTTTGTCCAATCATCTGTATT-3'
Protein context (NP_060124.2, residues 20-40): NQWLESHKID[Gln30Lys]KHREILTEQD